The following is an entry in ClinVar:

NM_000179.3(MSH6):c.2962C>T (p.Arg988Cys)

Gene: MSH6 (mutS homolog 6; plus strand). Cytogenetic location: 2p16.3.
Variant type: single nucleotide variant.
Coding change: c.2962C>T on transcript NM_000179.3 (MANE Select); coding-DNA position 2962, C replaced by T.
Protein change: p.Arg988Cys; replaces arginine 988 with cysteine.
Molecular consequence: missense variant.
Genome position (GRCh38, 1-based): chr2:47,800,945, C>T. VCF-style: chr2-47800945-C-T. GRCh37 (hg19) VCF-style: chr2-48028084-C-T.
Other names: c.2572C>T, p.Arg858Cys (NM_001281492.2); c.2056C>T, p.Arg686Cys (NM_001281493.2, NM_001281494.2); short protein forms R988C, R686C, R858C.
Identifiers: ClinVar variation 237172 (VCV000237172.34), dbSNP rs61753795, ClinGen allele CA069873.
Genomic context (GRCh38, chr2:47,800,945, plus strand): 5'-GTCTATTGGGGGATTGGTAGGAACCGTTACCAGCTGGAAATTCCTGAGAATTTCACCACT[C>T]GCAATTTGCCAGAAGAATACGAGTTGAAATCTACCAAGAAGGGCTGTAAACGATACTGGA-3'
Protein context (NP_000170.1, residues 978-998): QLEIPENFTT[Arg988Cys]NLPEEYELKS

ClinVar aggregate classification (germline): Conflicting classifications of pathogenicity. Review status: criteria provided, conflicting classifications (1 of 4 stars). 12 submissions from 12 submitters: Uncertain significance (11); Likely benign (1). Last evaluated 2026-01-21.

Conditions:
Hereditary nonpolyposis colorectal neoplasms. Identifiers: MedGen C0009405, MeSH D003123.
Lynch syndrome. Identifiers: Orphanet 144, MedGen C4552100, MONDO:0005835. Disease mechanism: loss of function.
Endometrial carcinoma. Also called: Endometrial carcinoma, somatic. Identifiers: MedGen C0476089, MONDO:0002447, OMIM 608089, HP:0012114.
Lynch syndrome 5 (LYNCH5). Also called: Hereditary non-polyposis colorectal cancer, type 5; Colorectal cancer, hereditary nonpolyposis, type 5. Identifiers: Orphanet 144, MedGen C1833477, MONDO:0013710, OMIM 614350. Disease mechanism: loss of function.
Mismatch repair cancer syndrome 3. Identifiers: MedGen C5436807, MONDO:0030841, OMIM 619097.
Hereditary cancer-predisposing syndrome. Also called: Hereditary Cancer Syndrome; Tumor predisposition; Hereditary neoplastic syndrome; Neoplastic Syndromes, Hereditary. Identifiers: Orphanet 140162, MedGen C0027672, MeSH D009386, MONDO:0015356.

Allele frequency attached by ClinVar (database versions not stated): gnomAD 0.00001; gnomAD exomes 0.00002; TOPMed 0.00002; ExAC 0.00004.
gnomAD v4.1: 25 of 1,571,538 alleles (0.0016%); highest among the groups gnomAD compares: Admixed American, 0.0019%; no homozygotes.

Submissions (12):

Ambry Genetics
Classification: Uncertain significance for Hereditary cancer-predisposing syndrome. Last evaluated: 2026-01-21. Review status: criteria provided, single submitter. Criteria: Ambry Variant Classification Scheme 2023. Collection method: clinical testing. Allele origin: germline.
Comment: The c.2962C>T (p.R988C) alteration is located in exon 4 (coding exon 4) of the MSH6 gene. This alteration results from a C to T substitution at nucleotide position 2962, causing the arginine (R) at amino acid position 988 to be replaced by a cysteine (C). Based on data from gnomAD, the T allele has an overall frequency of 0.002% (5/248524) total alleles studied. The highest observed frequency was 0.004% (1/28704) of Latino alleles. Based on insufficient or conflicting evidence, the clinical significance of this alteration remains unclear.

Labcorp Genetics (formerly Invitae), Labcorp
Classification: Likely benign for Hereditary nonpolyposis colorectal neoplasms. Last evaluated: 2026-01-06. Review status: criteria provided, single submitter. Criteria: Invitae Variant Classification Sherloc (09022015). Collection method: clinical testing. Allele origin: germline.

Color Diagnostics, LLC DBA Color Health
Classification: Uncertain significance for Hereditary cancer-predisposing syndrome. Last evaluated: 2025-02-10. Review status: criteria provided, single submitter. Criteria: ACMG Guidelines, 2015. Collection method: clinical testing. Allele origin: germline.
Comment: This missense variant replaces arginine with cysteine at codon 988 of the MSH6 protein. Computational prediction is inconclusive regarding the impact of this variant on protein structure and function (internally defined REVEL score threshold 0.5 < inconclusive < 0.7, PMID: 27666373). To our knowledge, functional studies have not been reported for this variant. This variant has been reported in an individual affected with breast cancer (PMID: 35039564), and in individuals affected with Lynch syndrome and colorectal cancer (PMID: 27601186, 30267214). This variant has been identified in 25/1571538 chromosomes in the general population by the Genome Aggregation Database (gnomAD). The available evidence is insufficient to determine the role of this variant in disease conclusively. Therefore, this variant is classified as a Variant of Uncertain Significance.

Hema, HEMA – Genetic and Molecular Diagnostic Laboratory
Classification: Uncertain significance for Lynch syndrome. Last evaluated: 2024-11-25. Review status: criteria provided, single submitter. Criteria: HEMA Variant Classification Assertion Criteria. Collection method: clinical testing. Allele origin: germline.
Comment: It is a transition from cytosine to thymine, resulting in the substitution of arginine 988 by cysteine in the MSH6 protein. PM2_Supporting: Present at very low frequency in the gnomAD database.

Department of Pathology and Laboratory Medicine, Sinai Health System
Classification: Uncertain significance for Endometrial carcinoma; Lynch syndrome 5; Mismatch repair cancer syndrome 3. Last evaluated: 2024-10-16. Review status: criteria provided, single submitter. Criteria: ACMG Guidelines, 2015. Collection method: clinical testing. Allele origin: germline.

Blueprint Genetics
Classification: Uncertain significance. Last evaluated: 2024-08-21. Review status: criteria provided, single submitter. Criteria: ACMG Guidelines, 2015. Collection method: clinical testing. Allele origin: germline.

Baylor Genetics
Classification: Uncertain significance for Endometrial carcinoma. Last evaluated: 2024-03-29. Review status: criteria provided, single submitter. Criteria: ACMG Guidelines, 2015. Collection method: clinical testing. Allele origin: unknown.

All of Us Research Program, National Institutes of Health
Classification: Uncertain significance for Lynch syndrome. Last evaluated: 2023-08-28. Review status: criteria provided, single submitter. Criteria: ACMG Guidelines, 2015. Collection method: clinical testing. Allele origin: germline. Inheritance: Autosomal dominant inheritance. Observed: 7 variant alleles, 7 heterozygotes.
Comment: This missense variant replaces arginine with cysteine at codon 988 of the MSH6 protein. Computational prediction is inconclusive regarding the impact of this variant on protein structure and function (internally defined REVEL score threshold 0.5 < inconclusive < 0.7, PMID: 27666373). To our knowledge, functional studies have not been reported for this variant. This variant has been reported in an individual affected with breast cancer (PMID: 35039564), and in individuals affected with Lynch syndrome and colorectal cancer (PMID: 27601186, 30267214). This variant has been identified in 5/248524 chromosomes in the general population by the Genome Aggregation Database (gnomAD). The available evidence is insufficient to determine the role of this variant in disease conclusively. Therefore, this variant is classified as a Variant of Uncertain Significance.

This study involves interpretation of variants in research participants for the purpose of population health screening. Participant phenotype was not available at the time of variant classification. Additional details can be found in publication PMID: 35346344, PMCID: PMC8962531

GeneDx
Classification: Uncertain significance. Last evaluated: 2022-09-30. Review status: criteria provided, single submitter. Criteria: GeneDx Variant Classification Process June 2021. Collection method: clinical testing. Allele origin: germline. Affected: yes.
Comment: Not observed at significant frequency in large population cohorts (gnomAD); In silico analysis supports that this missense variant has a deleterious effect on protein structure/function; Observed in one family suspected of having Lynch syndrome, as well as an individual with breast cancer (Lagerstedt-Robinson et al., 2016; Eygelaar et al., 2022); This variant is associated with the following publications: (PMID: 23621914, 28494185, 17531815, 21120944, 35039564, 27601186)

Women's Health and Genetics/Laboratory Corporation of America, LabCorp
Classification: Uncertain significance. Last evaluated: 2022-05-24. Review status: criteria provided, single submitter. Criteria: LabCorp Variant Classification Summary - May 2015. Collection method: clinical testing. Allele origin: germline.
Comment: Variant summary: MSH6 c.2962C>T (p.Arg988Cys) results in a non-conservative amino acid change located in the DNA mismatch repair protein MutS, core domain (IPR007696) of the encoded protein sequence. Five of five in-silico tools predict a damaging effect of the variant on protein function. A computer modelling approach for predicting the impact of MSH6 variants on protein function scored the variant as likely to impair function (Terui_2013) however, to our knowledge this has not yet been tested by a functional assay. The variant allele was found at a frequency of 1.8e-05 in 217122 control chromosomes. The available data on variant occurrences in the general population are insufficient to allow any conclusion about variant significance. c.2962C>T has been reported in the literature in an individual with breast cancer (Eygelaar_2022) and an individual with suspected Lynch Syndrome (Lagerstedt-Robinson_2016). However, these report(s) do not provide unequivocal conclusions about association of the variant with Lynch Syndrome. Five clinical diagnostic laboratories have submitted clinical-significance assessments for this variant to ClinVar after 2014 without evidence for independent evaluation. All laboratories classified the variant as uncertain significance. Based on the evidence outlined above, the variant was classified as uncertain significance.

Sema4
Classification: Uncertain significance for Hereditary cancer-predisposing syndrome. Last evaluated: 2021-12-26. Review status: criteria provided, single submitter. Criteria: Sema4 Curation Guidelines. Collection method: curation. Allele origin: germline.
Comment: The MSH6 c.2962C>T (p.R988C) variant has been reported in heterozygosity in at least one individual with Lynch syndrome (PMID: 27601186). This variant has also been reported in 1/60466 cases and 3/53461 controls in a large case-control study of breast cancer (PMID: 33471991). It was observed in 1/28704 chromosomes in the Latino subpopulation in the large and broad cohorts of the Genome Aggregation Database (PMID: 32461654). This variant has been reported in ClinVar (Variation ID: 237172). Functional studies have not been performed, and in silico predictions of the variant's effect on protein function are inconclusive. The evidence is insufficient to meet ACMG/AMP criteria for classifying the variant as benign or pathogenic. Thus, the clinical significance of this variant is currently uncertain.

Quest Diagnostics Nichols Institute San Juan Capistrano
Classification: Uncertain significance. Last evaluated: 2021-05-21. Review status: criteria provided, single submitter. Criteria: Quest Diagnostics criteria. Collection method: clinical testing. Allele origin: unknown.

Literature cited by the submitters: PubMed 27601186 (cited by 6 submitters); PubMed 30267214 (cited by 3 submitters); PubMed 35039564 (cited by 4 submitters); PubMed 33471991 (cited by 3 submitters); PubMed 23621914 (cited by Women's Health and Genetics/Laboratory Corporation of America, LabCorp and Quest Diagnostics Nichols Institute San Juan Capistrano).